The following is an entry in ClinVar:

NM_020832.3(ZNF687):c.1321G>A (p.Val441Met)

Gene: ZNF687 (zinc finger protein 687; plus strand). Cytogenetic location: 1q21.3.
Variant type: single nucleotide variant.
Coding change: c.1321G>A on transcript NM_020832.3 (MANE Select); coding-DNA position 1321, G replaced by A.
Protein change: p.Val441Met; replaces valine 441 with methionine.
Molecular consequence: missense variant.
Genome position (GRCh38, 1-based): chr1:151,287,612, G>A. VCF-style: chr1-151287612-G-A. GRCh37 (hg19) VCF-style: chr1-151260088-G-A.
Other names: c.1321G>A (NM_020832.1); c.1321G>A, p.Val441Met (NM_001304763.2, NM_001304764.2); short protein forms V441M.
Identifiers: ClinVar variation 2968410 (VCV002968410.4), dbSNP rs753714816, ClinGen allele CA1088315.
Genomic context (GRCh38, chr1:151,287,612, plus strand): 5'-CGCAAGGCTGTGGTGCTGCCTGGGGGGACTGCCACCAGCCCTAAGATGATTGCTAAGAAC[G>A]TGCTAGGCCTGGTGCCCCAAGCCCTGCCTAAGGCTGACGGGCGGGCAGGGCTGGGGACTG-3'
Protein context (NP_065883.1, residues 431-451): ATSPKMIAKN[Val441Met]LGLVPQALPK

ClinVar aggregate classification (germline): Uncertain significance. Review status: criteria provided, multiple submitters, no conflicts (2 of 4 stars). 2 submissions from 2 submitters: Uncertain significance (2). Last evaluated 2025-04-07.

Allele frequency attached by ClinVar (database versions not stated): gnomAD 0.00003; gnomAD exomes 0.00001; TOPMed 0.00008; ExAC 0.00002.
gnomAD v4.1: 21 of 1,613,300 alleles (0.0013%); highest among the groups gnomAD compares: Admixed American, 0.023%; no homozygotes.

Submissions (2):

Labcorp Genetics (formerly Invitae), Labcorp
Classification: Uncertain significance. Last evaluated: 2025-04-07. Review status: criteria provided, single submitter. Criteria: Invitae Variant Classification Sherloc (09022015). Collection method: clinical testing. Allele origin: germline.
Comment: This sequence change replaces valine, which is neutral and non-polar, with methionine, which is neutral and non-polar, at codon 441 of the ZNF687 protein (p.Val441Met). This variant is present in population databases (rs753714816, gnomAD 0.02%). This variant has not been reported in the literature in individuals affected with ZNF687-related conditions. ClinVar contains an entry for this variant (Variation ID: 2968410). An algorithm developed to predict the effect of missense changes on protein structure and function (PolyPhen-2) suggests that this variant is likely to be disruptive. In summary, the available evidence is currently insufficient to determine the role of this variant in disease. Therefore, it has been classified as a Variant of Uncertain Significance.

Ambry Genetics
Classification: Uncertain significance. Last evaluated: 2024-08-19. Review status: criteria provided, single submitter. Criteria: Ambry Variant Classification Scheme 2023. Collection method: clinical testing. Allele origin: germline.